The following is an entry in ClinVar:

ClinVar aggregate classification (germline): Uncertain significance. Review status: criteria provided, multiple submitters, no conflicts (2 of 4 stars). 2 submissions from 2 submitters: Uncertain significance (2). Last evaluated 2024-03-10.

Conditions:
Xeroderma pigmentosum (XP). Identifiers: Orphanet 910, MedGen C0043346, MONDO:0019600.
Xeroderma pigmentosum group A (XPA). Also called: Xeroderma pigmentosum, complementation group A; XP, group A; XPA-Related Xeroderma Pigmentosum. Identifiers: Orphanet 910, MedGen C0268135, MONDO:0010210, OMIM 278700.

Allele frequency attached by ClinVar (database versions not stated): gnomAD 0.00003; TOPMed 0.00004; gnomAD exomes 0.00008 and 0.00014; ExAC 0.00009.
gnomAD v4.1: 203 of 1,613,632 alleles (0.013%); highest among the groups gnomAD compares: Middle Eastern, 0.016%; no homozygotes.

Submissions (2):

Fulgent Genetics
Classification: Uncertain significance for Xeroderma pigmentosum group A. Last evaluated: 2024-03-10. Review status: criteria provided, single submitter. Criteria: ACMG Guidelines, 2015. Collection method: clinical testing. Allele origin: germline.

Sema4
Classification: Uncertain significance for Xeroderma pigmentosum. Last evaluated: 2021-08-09. Review status: criteria provided, single submitter. Criteria: Sema4 Curation Guidelines. Collection method: curation. Allele origin: germline.
Comment: To the best of our knowledge, the XPA c.605A>C (p.E202A) variant has not been reported in individuals with XPA-related disease. It was observed in 19/129050 chromosomes of the Non-Finnish European subpopulation, with no homozygotes, in the large and broad cohorts of the Genome Aggregation Database (PMID: 32461654). The variant has not been reported in ClinVar. Functional studies suggest that the DNA incision, RPA70 binding, and damaged DNA binding activities are similar to wildtype levels (PMID: 21148310). In silico predictions of the variant's effect on protein function are inconclusive. The evidence is insufficient to meet ACMG/AMP criteria for classifying the variant as benign or pathogenic. Thus, the clinical significance of this variant is currently uncertain.

Literature cited by the submitters: PubMed 21148310 (cited by Sema4).

NM_000380.4(XPA):c.605A>C (p.Glu202Ala)

Gene: XPA (XPA, DNA damage recognition and repair factor; minus strand). Cytogenetic location: 9q22.33.
Variant type: single nucleotide variant.
Coding change: c.605A>C on transcript NM_000380.4 (MANE Select); coding-DNA position 605, A replaced by C.
Protein change: p.Glu202Ala; replaces glutamic acid 202 with alanine.
Molecular consequence: missense variant. On other transcripts: non-coding transcript variant (5).
Genome position (GRCh38, 1-based): chr9:97,684,991, T>G on the plus strand (A>C on the coding strand, the complement: XPA is on the minus strand). VCF-style: chr9-97684991-T-G. GRCh37 (hg19) VCF-style: chr9-100447273-T-G.
Other names: c.479A>C, p.Glu160Ala (NM_001354975.2); short protein forms E160A, E202A.
Identifiers: ClinVar variation 1692418 (VCV001692418.2), dbSNP rs200956475, ClinGen allele CA5148779.
Genomic context (GRCh38, chr9:97,684,991, plus strand): 5'-TTTTTATCAAATTTCTTCTGTTTCATTTTTTCTCGGTTTTCCTGTCGGACTTCCTTTGCT[T>G]CTTCTAATGCTTCTTGACTACCCCAAACTTCAAGAGACCTCTTCACAATCTACAACACAA-3'
Protein context (NP_000371.1, residues 192-212): EVWGSQEALE[Glu202Ala]AKEVRQENRE